The following is an entry in ClinVar:

NM_001045.6(SLC6A4):c.*2160G>T

Gene: SLC6A4 (solute carrier family 6 member 4; minus strand). Cytogenetic location: 17q11.2.
Variant type: single nucleotide variant.
Coding change: c.*2160G>T on transcript NM_001045.6 (MANE Select); 2160 bases downstream of the stop codon, G replaced by T.
Molecular consequence: 3 prime UTR variant.
Genome position (GRCh38, 1-based): chr17:30,196,296, C>A on the plus strand (G>T on the coding strand, the complement: SLC6A4 is on the minus strand). VCF-style: chr17-30196296-C-A. GRCh37 (hg19) VCF-style: chr17-28523314-C-A.
Identifiers: ClinVar variation 891374 (VCV000891374.5), dbSNP rs8081028, ClinGen allele CA289254627.
Genomic context (GRCh38, chr17:30,196,296, plus strand): 5'-TTTAAAATATTATTTTAAAATCCACCTACCTACTCTTAAATTTTCTTTAAAAAAAAAAAA[C>A]CCCATCATAGTATTGATAAATAGGGGTCAAATAAATGCATACTATGCGGAACAGACAGAG-3'

ClinVar aggregate classification (germline): Benign. Review status: criteria provided, multiple submitters, no conflicts (2 of 4 stars). 2 submissions from 2 submitters: Benign (2). Last evaluated 2018-01-13.

Conditions:
Behavior disorder. Also called: Behavioral disorder. Identifiers: MedGen C0004930.

Allele frequency attached by ClinVar (database versions not stated): 1000 Genomes Project 0.04712; gnomAD exomes 0.05000; gnomAD 0.05444 and 0.05698; TOPMed 0.05851.
gnomAD v4.1: 8,067 of 149,262 alleles (5.4%); highest among the groups gnomAD compares: African/African-American, 13%; 372 homozygotes.

Submissions (2):

Illumina Laboratory Services, Illumina
Classification: Benign for Behavior disorder. Last evaluated: 2018-01-13. Review status: criteria provided, single submitter. Criteria: ICSL Variant Classification Criteria 13 December 2019. Collection method: clinical testing. Allele origin: germline.
Comment: This variant was observed in the ICSL laboratory as part of a predisposition screen in an ostensibly healthy population. It had not been previously curated by ICSL or reported in the Human Gene Mutation Database (HGMD: prior to June 1st, 2018), and was therefore a candidate for classification through an automated scoring system. Utilizing variant allele frequency, disease prevalence and penetrance estimates, and inheritance mode, an automated score was calculated to assess if this variant is too frequent to cause the disease. Based on the score and internal cut-off values, a variant classified as benign is not then subjected to further curation. The score for this variant resulted in a classification of benign for this disease.

Breakthrough Genomics
Classification: Benign. Review status: criteria provided, single submitter. Criteria: ACMG Guidelines, 2015. Collection method: not provided. Allele origin: germline. Inheritance: Autosomal dominant inheritance. Affected: yes.